The following is an entry in ClinVar:

NM_000038.6(APC):c.2508A>T (p.Ser836=)

Gene: APC (APC regulator of Wnt signaling pathway; plus strand). Cytogenetic location: 5q22.2.
Variant type: single nucleotide variant.
Coding change: c.2508A>T on transcript NM_000038.6 (MANE Select); coding-DNA position 2508, A replaced by T.
Protein change: p.Ser836=; no amino-acid change (serine 836 retained).
Molecular consequence: synonymous variant. On other transcripts: non-coding transcript variant (2).
Genome position (GRCh38, 1-based): chr5:112,838,102, A>T. VCF-style: chr5-112838102-A-T. GRCh37 (hg19) VCF-style: chr5-112173799-A-T.
Other names: c.2508A>T, p.Ser836= (NM_001127510.3, NM_001354895.2, NM_001407450.1); c.2454A>T, p.Ser818= (NM_001127511.3); c.2562A>T, p.Ser854= (NM_001354896.2, NM_001407447.1, NM_001407448.1 and 1 more transcripts); c.2538A>T, p.Ser846= (NM_001354897.2); c.2433A>T, p.Ser811= (NM_001354898.2); c.2424A>T, p.Ser808= (NM_001354899.2); c.2385A>T, p.Ser795= (NM_001354900.2); c.2331A>T, p.Ser777= (NM_001354901.2, NM_001407453.1); and 11 more.
Identifiers: ClinVar variation 3148176 (VCV003148176.1), dbSNP rs1580623312, ClinGen allele CA445962809.
Genomic context (GRCh38, chr5:112,838,102, plus strand): 5'-TGGCAACATGACTGTCCTTTCACCATATTTGAATACTACAGTGTTACCCAGCTCCTCTTC[A>T]TCAAGAGGAAGCTTAGATAGTTCTCGTTCTGAAAAAGATAGAAGTTTGGAGAGAGAACGC-3'
Protein context (NP_000029.2, residues 826-846): LNTTVLPSSS[Ser836=]SRGSLDSSRS

ClinVar aggregate classification (germline): Benign (1 of 4 stars; one submission).

Conditions:
Familial adenomatous polyposis 1 (FAP1). Also called: POLYPOSIS, ADENOMATOUS INTESTINAL; FAMILIAL ADENOMATOUS POLYPOSIS 1, ATTENUATED. Identifiers: MedGen C2713442, MONDO:0021056, OMIM 175100. Disease mechanism: loss of function.

Submission:

Myriad Genetics, Inc.
Classification: Benign for Familial adenomatous polyposis 1. Last evaluated: 2024-03-14. Review status: criteria provided, single submitter. Criteria: Myriad Autosomal Dominant, Autosomal Recessive and X-Linked Classification Criteria (2023). Collection method: clinical testing. Allele origin: unknown.
Comment: This variant is considered benign. This variant is a silent/synonymous amino acid change and it is not expected to impact splicing.